The following is an entry in ClinVar:

ClinVar aggregate classification (germline): Uncertain significance (1 of 4 stars; one submission).

Conditions:
Inborn genetic diseases. Identifiers: MedGen C0950123, MeSH D030342.

gnomAD v4.1: 1 of 977,821 alleles (0.0001%); no homozygotes.

Submission:

Ambry Genetics
Classification: Uncertain significance for Inborn genetic diseases. Last evaluated: 2025-03-06. Review status: criteria provided, single submitter. Criteria: Ambry Variant Classification Scheme 2023. Collection method: clinical testing. Allele origin: germline.
Comment: Based on insufficient or conflicting evidence, the clinical significance of this alteration remains unclear.

NM_002641.4(PIGA):c.-74T>G

Gene: PIGA (phosphatidylinositol glycan anchor biosynthesis class A; minus strand). Cytogenetic location: Xp22.2.
Variant type: single nucleotide variant.
Coding change: c.-74T>G on transcript NM_002641.4 (MANE Select); 74 bases upstream of the start codon, T replaced by G.
Molecular consequence: 5 prime UTR variant. On other transcripts: missense variant (1), initiator codon variant (1), non-coding transcript variant (2).
Genome position (GRCh38, 1-based): chrX:15,335,512, A>C on the plus strand (T>G on the coding strand, the complement: PIGA is on the minus strand). VCF-style: chrX-15335512-A-C. GRCh37 (hg19) VCF-style: chrX-15353634-A-C.
Other names: c.2T>G, p.Met1Arg (NM_020473.3); short protein forms M1R.
Identifiers: ClinVar variation 3888760 (VCV003888760.1).